The following is an entry in ClinVar:

ClinVar aggregate classification (germline): Uncertain significance. Review status: criteria provided, multiple submitters, no conflicts (2 of 4 stars). 2 submissions from 2 submitters: Uncertain significance (2). Last evaluated 2025-09-18.

Allele frequency attached by ClinVar (database versions not stated): gnomAD 0.00001; TOPMed below 0.00001.
gnomAD v4.1: 1 of 1,613,904 alleles (0.000062%); highest among the groups gnomAD compares: Non-Finnish European, 0.000085%; no homozygotes.

Submissions (2):

Labcorp Genetics (formerly Invitae), Labcorp
Classification: Uncertain significance. Last evaluated: 2025-09-18. Review status: criteria provided, single submitter. Criteria: Invitae Variant Classification Sherloc (09022015). Collection method: clinical testing. Allele origin: germline.
Comment: This sequence change replaces isoleucine, which is neutral and non-polar, with valine, which is neutral and non-polar, at codon 432 of the BACH2 protein (p.Ile432Val). This variant is not present in population databases (gnomAD no frequency). This variant has not been reported in the literature in individuals affected with BACH2-related conditions. ClinVar contains an entry for this variant (Variation ID: 2869106). Invitae Evidence Modeling of protein sequence and biophysical properties (such as structural, functional, and spatial information, amino acid conservation, physicochemical variation, residue mobility, and thermodynamic stability) indicates that this missense variant is expected to disrupt BACH2 protein function with a positive predictive value of 80%. In summary, the available evidence is currently insufficient to determine the role of this variant in disease. Therefore, it has been classified as a Variant of Uncertain Significance.

Ambry Genetics
Classification: Uncertain significance. Last evaluated: 2024-09-25. Review status: criteria provided, single submitter. Criteria: Ambry Variant Classification Scheme 2023. Collection method: clinical testing. Allele origin: germline.

NM_021813.4(BACH2):c.1294A>G (p.Ile432Val)

Gene: BACH2 (BACH transcriptional regulator 2; minus strand). Cytogenetic location: 6q15.
Variant type: single nucleotide variant.
Coding change: c.1294A>G on transcript NM_021813.4 (MANE Select); coding-DNA position 1294, A replaced by G.
Protein change: p.Ile432Val; replaces isoleucine 432 with valine.
Molecular consequence: missense variant.
Genome position (GRCh38, 1-based): chr6:89,950,812, T>C on the plus strand (A>G on the coding strand, the complement: BACH2 is on the minus strand). VCF-style: chr6-89950812-T-C. GRCh37 (hg19) VCF-style: chr6-90660531-T-C.
Other names: c.1294A>G (NM_021813.2); c.1294A>G, p.Ile432Val (NM_001170794.2); short protein forms I432V.
Identifiers: ClinVar variation 2869106 (VCV002869106.4), dbSNP rs1774044762, ClinGen allele CA365071142.